The following is an entry in ClinVar:

ClinVar aggregate classification (germline): Uncertain significance. Review status: criteria provided, multiple submitters, no conflicts (2 of 4 stars). 3 submissions from 3 submitters: Uncertain significance (3). Last evaluated 2025-06-17.

Conditions:
Inborn genetic diseases. Identifiers: MedGen C0950123, MeSH D030342.
Charcot-Marie-Tooth disease type 4A. Also called: Charcot-Marie-Tooth disease, demyelinating, autosomal recessive, type 4a. Identifiers: Orphanet 99948, MedGen C1859198, MONDO:0008961, OMIM 214400.

Allele frequency attached by ClinVar (database versions not stated): gnomAD exomes 0.00004 and 0.00006; ExAC 0.00007; 1000 Genomes Project 30x 0.00031; 1000 Genomes Project 0.00040; gnomAD 0.00044 and 0.00046; TOPMed 0.00050; ESP Exome Variant Server 0.00054.
gnomAD v4.1: 131 of 1,570,860 alleles (0.0083%); highest among the groups gnomAD compares: African/African-American, 0.16%; no homozygotes.

Submissions (3):

Ambry Genetics
Classification: Uncertain significance for Inborn genetic diseases. Last evaluated: 2025-06-17. Review status: criteria provided, single submitter. Criteria: Ambry Variant Classification Scheme 2023. Collection method: clinical testing. Allele origin: germline.

Labcorp Genetics (formerly Invitae), Labcorp
Classification: Uncertain significance for Charcot-Marie-Tooth disease type 4A. Last evaluated: 2024-10-21. Review status: criteria provided, single submitter. Criteria: Invitae Variant Classification Sherloc (09022015). Collection method: clinical testing. Allele origin: germline.
Comment: This sequence change replaces leucine, which is neutral and non-polar, with isoleucine, which is neutral and non-polar, at codon 192 of the GDAP1 protein (p.Leu192Ile). This variant is present in population databases (rs144199299, gnomAD 0.1%). This variant has not been reported in the literature in individuals affected with GDAP1-related conditions. ClinVar contains an entry for this variant (Variation ID: 660950). Invitae Evidence Modeling of protein sequence and biophysical properties (such as structural, functional, and spatial information, amino acid conservation, physicochemical variation, residue mobility, and thermodynamic stability) indicates that this missense variant is not expected to disrupt GDAP1 protein function with a negative predictive value of 80%. In summary, the available evidence is currently insufficient to determine the role of this variant in disease. Therefore, it has been classified as a Variant of Uncertain Significance.

ARUP Laboratories, Molecular Genetics and Genomics, ARUP Laboratories
Classification: Uncertain significance. Last evaluated: 2019-12-18. Review status: criteria provided, single submitter. Criteria: ARUP Molecular Germline Variant Investigation Process. Collection method: clinical testing. Allele origin: germline.
Comment: The GDAP1 c.574C>A; p.Leu192Ile variant (rs144199299), to our knowledge, is not reported in the medical literature but is reported in ClinVar (Variation ID: 660950). This variant is found in the African population with an overall allele frequency of 0.12% (30/24878 alleles) in the Genome Aggregation Database. The leucine at codon 192 is highly conserved, and computational analyses (SIFT, PolyPhen-2) predict that this variant is deleterious. However, due to limited information, the clinical significance of the p.Leu192Ile variant is uncertain at this time.

NM_018972.4(GDAP1):c.574C>A (p.Leu192Ile)

Gene: GDAP1 (ganglioside induced differentiation associated protein 1; plus strand). Cytogenetic location: 8q21.11.
Variant type: single nucleotide variant.
Coding change: c.574C>A on transcript NM_018972.4 (MANE Select); coding-DNA position 574, C replaced by A.
Protein change: p.Leu192Ile; replaces leucine 192 with isoleucine.
Molecular consequence: missense variant.
Genome position (GRCh38, 1-based): chr8:74,361,973, C>A. VCF-style: chr8-74361973-C-A. GRCh37 (hg19) VCF-style: chr8-75274208-C-A.
Other names: c.370C>A, p.Leu124Ile (NM_001040875.4); c.247C>A, p.Leu83Ile (NM_001362929.2, NM_001362932.2); c.400C>A, p.Leu134Ile (NM_001362930.2); c.574C>A, p.Leu192Ile (NM_001362931.2); short protein forms L134I, L83I, L192I, L124I.
Identifiers: ClinVar variation 660950 (VCV000660950.17), dbSNP rs144199299, ClinGen allele CA4785135.
Genomic context (GRCh38, chr8:74,361,973, plus strand): 5'-AAGAAACTTGCTGAAGAAAACCCAGATTTACAAGAAGCATACATTGCAAAACAGAAACGA[C>A]TTAAAGTAAGCCAATCAGCTGTCCTCAGTTGACATACACTGCACGGAGTAAATGTTCTAC-3'
Protein context (NP_061845.2, residues 182-202): QEAYIAKQKR[Leu192Ile]KSKLLDHDNV